The following is an entry in ClinVar:

ClinVar aggregate classification (germline): Uncertain significance. Review status: criteria provided, multiple submitters, no conflicts (2 of 4 stars). 2 submissions from 2 submitters: Uncertain significance (2). Last evaluated 2025-11-05.

Conditions:
Epidermolysis bullosa simplex with nail dystrophy (EBS5D). Identifiers: MedGen C4225309, MONDO:0014661, OMIM 616487.
Epidermolysis bullosa simplex 5B, with muscular dystrophy (EBS5B). Also called: EPIDERMOLYSIS BULLOSA SIMPLEX AND LIMB-GIRDLE MUSCULAR DYSTROPHY; Epidermolysis bullosa simplex with muscular dystrophy. Identifiers: Orphanet 257, MedGen C2931072, MONDO:0009181, OMIM 226670.
Epidermolysis bullosa simplex 5C, with pyloric atresia (EBS5C). Also called: PLEC-Related Epidermolysis Bullosa with Pyloric Atresia; Epidermolysis bullosa simplex with pyloric atresia; PLEC1-Related Epidermolysis Bullosa with Pyloric Atresia. Identifiers: Orphanet 158684, MedGen C2677349, MONDO:0012807, OMIM 612138.
Autosomal recessive limb-girdle muscular dystrophy type 2Q (LGMDR17). Also called: MUSCULAR DYSTROPHY, LIMB-GIRDLE, AUTOSOMAL RECESSIVE 17. Identifiers: Orphanet 254361, MedGen C3150989, MONDO:0013390, OMIM 613723.
Epidermolysis bullosa simplex, Ogna type (EBS5A). Also called: Pidermolysis bullosa simplex 5A, Ogna type; EPIDERMOLYSIS BULLOSA SIMPLEX 5A, OGNA TYPE. Identifiers: Orphanet 79401, MedGen C0432317, MONDO:0007555, OMIM 131950.
Inborn genetic diseases. Identifiers: MedGen C0950123, MeSH D030342.

Allele frequency attached by ClinVar (database versions not stated): ExAC 0.00001; gnomAD 0.00001; gnomAD exomes 0.00001; TOPMed 0.00002; ESP Exome Variant Server 0.00008.
gnomAD v4.1: 16 of 1,613,686 alleles (0.00099%); highest among the groups gnomAD compares: East Asian, 0.011%; no homozygotes.

Submissions (2):

Ambry Genetics
Classification: Uncertain significance for Inborn genetic diseases. Last evaluated: 2025-11-05. Review status: criteria provided, single submitter. Criteria: Ambry Variant Classification Scheme 2023. Collection method: clinical testing. Allele origin: germline.

Labcorp Genetics (formerly Invitae), Labcorp
Classification: Uncertain significance for Autosomal recessive limb-girdle muscular dystrophy type 2Q; Epidermolysis bullosa simplex, Ogna type; Epidermolysis bullosa simplex with nail dystrophy; Epidermolysis bullosa simplex 5C, with pyloric atresia; Epidermolysis bullosa simplex 5B, with muscular dystrophy. Last evaluated: 2024-08-29. Review status: criteria provided, single submitter. Criteria: Invitae Variant Classification Sherloc (09022015). Collection method: clinical testing. Allele origin: germline.
Comment: This sequence change replaces valine, which is neutral and non-polar, with methionine, which is neutral and non-polar, at codon 2855 of the PLEC protein (p.Val2855Met). This variant is present in population databases (rs374247527, gnomAD 0.004%). This variant has not been reported in the literature in individuals affected with PLEC-related conditions. An algorithm developed to predict the effect of missense changes on protein structure and function (PolyPhen-2) suggests that this variant is likely to be tolerated. In summary, the available evidence is currently insufficient to determine the role of this variant in disease. Therefore, it has been classified as a Variant of Uncertain Significance.

NM_201384.3(PLEC):c.8482G>A (p.Val2828Met)

Gene: PLEC (plectin; minus strand). Cytogenetic location: 8q24.3.
Variant type: single nucleotide variant.
Coding change: c.8482G>A on transcript NM_201384.3 (MANE Select); coding-DNA position 8482, G replaced by A.
Protein change: p.Val2828Met; replaces valine 2828 with methionine.
Molecular consequence: missense variant.
Genome position (GRCh38, 1-based): chr8:143,921,339, C>T on the plus strand (G>A on the coding strand, the complement: PLEC is on the minus strand). VCF-style: chr8-143921339-C-T. GRCh37 (hg19) VCF-style: chr8-144995507-C-T.
Other names: c.8563G>A (NM_000445.3); c.8563G>A, p.Val2855Met (NM_000445.5); c.5182G>A, p.Val1728Met (NM_001410941.1); c.8440G>A, p.Val2814Met (NM_201378.4); c.8416G>A, p.Val2806Met (NM_201379.3); c.8893G>A, p.Val2965Met (NM_201380.4); c.8386G>A, p.Val2796Met (NM_201381.3); c.8482G>A, p.Val2828Met (NM_201382.4); and 1 more; short protein forms V2806M, V2814M, V2832M, V2796M, V2828M, V1728M, V2855M, V2965M.
Identifiers: ClinVar variation 2926078 (VCV002926078.4), dbSNP rs374247527, ClinGen allele CA4925293.